The following is an entry in ClinVar:

NM_003079.5(SMARCE1):c.830A>C (p.Lys277Thr)

Gene: SMARCE1 (SWI/SNF related BAF chromatin remodeling complex subunit E1; minus strand). Cytogenetic location: 17q21.2.
Variant type: single nucleotide variant.
Coding change: c.830A>C on transcript NM_003079.5 (MANE Select); coding-DNA position 830, A replaced by C.
Protein change: p.Lys277Thr; replaces lysine 277 with threonine.
Molecular consequence: missense variant.
Genome position (GRCh38, 1-based): chr17:40,630,911, T>G on the plus strand (A>C on the coding strand, the complement: SMARCE1 is on the minus strand). VCF-style: chr17-40630911-T-G. GRCh37 (hg19) VCF-style: chr17-38787163-T-G.
Other names: short protein forms K277T.
Identifiers: ClinVar variation 1762856 (VCV001762856.2), dbSNP rs2508596207, ClinGen allele CA399363961.

ClinVar aggregate classification (germline): Uncertain significance (1 of 4 stars; one submission).

Conditions:
Hereditary cancer-predisposing syndrome. Also called: Neoplastic Syndromes, Hereditary; Tumor predisposition; Hereditary Cancer Syndrome; Hereditary neoplastic syndrome. Identifiers: Orphanet 140162, MedGen C0027672, MeSH D009386, MONDO:0015356.

Submission:

Ambry Genetics
Classification: Uncertain significance for Hereditary cancer-predisposing syndrome. Last evaluated: 2021-09-27. Review status: criteria provided, single submitter. Criteria: Ambry Variant Classification Scheme 2023. Collection method: clinical testing. Allele origin: germline.
Comment: The p.K277T variant (also known as c.830A>C), located in coding exon 9 of the SMARCE1 gene, results from an A to C substitution at nucleotide position 830. The lysine at codon 277 is replaced by threonine, an amino acid with similar properties. Missense and in-frame variants in SMARCE1 are known to cause neurodevelopmental disorders; however, such associations with increased risk of meningiomas are exceedingly rare (Kosho T et al. Am J Med Genet C Semin Med Genet. 2014 Sep;166C(3):262-75; Smith JM et al. Nat Genet. 2013 Mar;45(3):295-8). This amino acid position is highly conserved in available vertebrate species. In addition, the in silico prediction for this alteration is inconclusive. Based on the supporting evidence, the association of this alteration with Coffin-Siris syndrome is unknown; however, the association of this alteration with an increased risk of meningiomas is unlikely.